The following is an entry in ClinVar:

NC_000017.11:g.(?_43045658)_(43099900_?)del

Gene: BRCA1 (BRCA1 DNA repair associated; minus strand). Cytogenetic location: 17q21.31.
Variant type: Deletion.
Identifiers: ClinVar variation 831128 (VCV000831128.1).

ClinVar aggregate classification (germline): Pathogenic (1 of 4 stars; one submission).

Conditions:
Hereditary breast ovarian cancer syndrome. Also called: Hereditary breast and/or ovarian cancer syndrome; Hereditary breast and ovarian cancer syndrome (HBOC); Breast and ovarian cancer; Hereditary breast and ovarian cancer; BRCA1- and BRCA2-Associated Hereditary Breast and Ovarian Cancer; Hereditary breast and ovarian cancer syndrome. Identifiers: Orphanet 145, MedGen C0677776, MeSH D061325, MONDO:0003582. Disease mechanism: loss of function.

Submission:

Labcorp Genetics (formerly Invitae), Labcorp
Classification: Pathogenic for Hereditary breast and ovarian cancer syndrome. Last evaluated: 2019-04-15. Review status: criteria provided, single submitter. Criteria: Invitae Variant Classification Sherloc (09022015). Collection method: clinical testing. Allele origin: germline.
Comment: This variant is a gross deletion of the genomic region encompassing exons 7-23 of the BRCA1 gene. The 5' boundary is likely confined to intron 6. The 3' end of this event is unknown as it extends through the termination codon beyond the assayed region for this gene and may encompass additional genes. While this deletion is not anticipated to result in nonsense mediated decay, it is expected to create a truncated BRCA1 protein by removing ~93% of the full-length protein. Loss-of-function variants including gross deletions in BRCA1 are known to be pathogenic. Deletion of exons 7-23 has been reported in the literature in an individual with breast cancer (PMID: 16551709), and is referred to as a deletion of exons 8-24. For these reasons, this variant has been classified as Pathogenic.

Literature cited by the submitters: PubMed 16551709.